The following is an entry in ClinVar:

ClinVar aggregate classification (germline): Uncertain significance (1 of 4 stars; one submission).

Conditions:
X-linked Emery-Dreifuss muscular dystrophy. Also called: Muscular dystrophy, tardive Emery-Dreifuss type, with contractures. Identifiers: Orphanet 261, Orphanet 98863, MedGen C0751337, MONDO:0010680.

Submission:

Labcorp Genetics (formerly Invitae), Labcorp
Classification: Uncertain significance for X-linked Emery-Dreifuss muscular dystrophy. Last evaluated: 2024-04-04. Review status: criteria provided, single submitter. Criteria: Invitae Variant Classification Sherloc (09022015). Collection method: clinical testing. Allele origin: germline.
Comment: This sequence change replaces proline, which is neutral and non-polar, with arginine, which is basic and polar, at codon 25 of the EMD protein (p.Pro25Arg). This variant is not present in population databases (gnomAD no frequency). This variant has not been reported in the literature in individuals affected with EMD-related conditions. ClinVar contains an entry for this variant (Variation ID: 1391116). Advanced modeling of protein sequence and biophysical properties (such as structural, functional, and spatial information, amino acid conservation, physicochemical variation, residue mobility, and thermodynamic stability) performed at Invitae indicates that this missense variant is expected to disrupt EMD protein function with a positive predictive value of 80%. In summary, the available evidence is currently insufficient to determine the role of this variant in disease. Therefore, it has been classified as a Variant of Uncertain Significance.

NM_000117.3(EMD):c.74C>G (p.Pro25Arg)

Gene: EMD (emerin; plus strand). Cytogenetic location: Xq28.
Variant type: single nucleotide variant.
Coding change: c.74C>G on transcript NM_000117.3 (MANE Select); coding-DNA position 74, C replaced by G.
Protein change: p.Pro25Arg; replaces proline 25 with arginine.
Molecular consequence: missense variant.
Genome position (GRCh38, 1-based): chrX:154,379,558, C>G. VCF-style: chrX-154379558-C-G. GRCh37 (hg19) VCF-style: chrX-153607918-C-G.
Other names: short protein forms P25R.
Identifiers: ClinVar variation 1391116 (VCV001391116.6), dbSNP rs2067873634, ClinGen allele CA415257152.